The following is an entry in ClinVar:

ClinVar aggregate classification (germline): Uncertain significance. Review status: criteria provided, single submitter (1 of 4 stars). 2 submissions from 2 submitters: Uncertain significance (1). 1 of the submissions does not count toward it. Last evaluated 2016-08-31.

Conditions:
CSF1R-related disorder. Also called: CSF1R-related condition. Identifiers: MedGen CN379780, MONDO:0100632.

Submissions (2):

CeGaT Center for Human Genetics Tuebingen
Classification: Uncertain significance. Last evaluated: 2016-08-31. Review status: criteria provided, single submitter. Criteria: Praxis fuer Humangenetik Tuebingen - Variant Classification Criteria. Collection method: clinical testing. Allele origin: germline. Affected: yes. Observed: 1 variant allele.

PreventionGenetics, part of Exact Sciences
Classification: Uncertain significance for CSF1R-related condition. Last evaluated: 2024-05-10. Review status: no assertion criteria provided. Collection method: clinical testing. Allele origin: germline. Not counted in ClinVar's aggregate classification.
Comment: The CSF1R c.2606T>G variant is predicted to result in the amino acid substitution p.Val869Gly. This variant has been reported in individuals with CSF1R-related leukoencephalopathy (Lapalme-Remis et al. 2016. PubMed ID: 27163664; Table 2, Ishiguro et al. 2023. PubMed ID: 36943150). This variant has not been reported in a large population database, indicating this variant is rare. Although we suspect this variant may be pathogenic, at this time its clinical significance is uncertain due to the absence of conclusive functional and genetic evidence.

NM_001288705.3(CSF1R):c.2606T>G (p.Val869Gly)

Gene: CSF1R (colony stimulating factor 1 receptor; minus strand). Cytogenetic location: 5q32.
Variant type: single nucleotide variant.
Coding change: c.2606T>G on transcript NM_001288705.3 (MANE Select); coding-DNA position 2606, T replaced by G.
Protein change: p.Val869Gly; replaces valine 869 with glycine.
Molecular consequence: missense variant. On other transcripts: non-coding transcript variant (2).
Genome position (GRCh38, 1-based): chr5:150,055,285, A>C on the plus strand (T>G on the coding strand, the complement: CSF1R is on the minus strand). VCF-style: chr5-150055285-A-C. GRCh37 (hg19) VCF-style: chr5-149434848-A-C.
Other names: c.2606T>G, p.Val869Gly (NM_001349736.2, NM_001375320.1, NM_005211.4); c.2162T>G, p.Val721Gly (NM_001375321.1); c.2606T>G (NM_005211.3); short protein forms V869G, V721G.
Identifiers: ClinVar variation 374569 (VCV000374569.5), dbSNP rs1057519156, ClinGen allele CA16043798.